The following is an entry in ClinVar:

ClinVar aggregate classification (germline): Benign. Review status: criteria provided, multiple submitters, no conflicts (2 of 4 stars). 2 submissions from 2 submitters: Benign (2). Last evaluated 2018-06-19.

Allele frequency attached by ClinVar (database versions not stated): 1000 Genomes Project 30x 0.06137; 1000 Genomes Project 0.06210; TOPMed 0.09756; gnomAD 0.13178.
gnomAD v4.1: 225,619 of 1,548,416 alleles (15%); highest among the groups gnomAD compares: Non-Finnish European, 16%; 18,509 homozygotes.

Submissions (2):

GeneDx
Classification: Benign. Last evaluated: 2018-06-19. Review status: criteria provided, single submitter. Criteria: GeneDx Variant Classification (06012015). Collection method: clinical testing. Allele origin: germline. Affected: yes.
Comment: This variant is considered likely benign or benign based on one or more of the following criteria: it is a conservative change, it occurs at a poorly conserved position in the protein, it is predicted to be benign by multiple in silico algorithms, and/or has population frequency not consistent with disease.

Breakthrough Genomics
Classification: Benign. Review status: criteria provided, single submitter. Criteria: ACMG Guidelines, 2015. Collection method: not provided. Allele origin: germline. Inheritance: Autosomal dominant inheritance. Affected: yes.

NM_001271.4(CHD2):c.2353-56G>A

Gene: CHD2 (chromodomain helicase DNA binding protein 2; plus strand). Cytogenetic location: 15q26.1.
Variant type: single nucleotide variant.
Coding change: c.2353-56G>A on transcript NM_001271.4 (MANE Select); 56 bases into the intron before coding-DNA position 2353, G replaced by A.
Molecular consequence: intron variant.
Genome position (GRCh38, 1-based): chr15:92,972,209, G>A. VCF-style: chr15-92972209-G-A. GRCh37 (hg19) VCF-style: chr15-93515439-G-A.
Identifiers: ClinVar variation 680216 (VCV000680216.2), dbSNP rs62023144, ClinGen allele CA14125109.